The following is an entry in ClinVar:

NM_005733.3(KIF20A):c.1450G>A (p.Val484Met)

Gene: KIF20A (kinesin family member 20A; plus strand). Cytogenetic location: 5q31.2.
Variant type: single nucleotide variant.
Coding change: c.1450G>A on transcript NM_005733.3 (MANE Select); coding-DNA position 1450, G replaced by A.
Protein change: p.Val484Met; replaces valine 484 with methionine.
Molecular consequence: missense variant.
Genome position (GRCh38, 1-based): chr5:138,184,336, G>A. VCF-style: chr5-138184336-G-A. GRCh37 (hg19) VCF-style: chr5-137520025-G-A.
Other names: c.1450G>A (NM_005733.2); short protein forms V484M.
Identifiers: ClinVar variation 1390824 (VCV001390824.9), dbSNP rs142495138, ClinGen allele CA3426606.

ClinVar aggregate classification (germline): Uncertain significance. Review status: criteria provided, multiple submitters, no conflicts (2 of 4 stars). 2 submissions from 2 submitters: Uncertain significance (2). Last evaluated 2025-12-03.

Allele frequency attached by ClinVar (database versions not stated): gnomAD exomes 0.00001 and 0.00004; ExAC 0.00007; gnomAD 0.00022 and 0.00024; ESP Exome Variant Server 0.00031; TOPMed 0.00034.
gnomAD v4.1: 51 of 1,614,076 alleles (0.0032%); highest among the groups gnomAD compares: African/African-American, 0.053%; no homozygotes.

Submissions (2):

Labcorp Genetics (formerly Invitae), Labcorp
Classification: Uncertain significance. Last evaluated: 2025-12-03. Review status: criteria provided, single submitter. Criteria: Invitae Variant Classification Sherloc (09022015). Collection method: clinical testing. Allele origin: germline.
Comment: This sequence change replaces valine, which is neutral and non-polar, with methionine, which is neutral and non-polar, at codon 484 of the KIF20A protein (p.Val484Met). This variant is present in population databases (rs142495138, gnomAD 0.03%). This variant has not been reported in the literature in individuals affected with KIF20A-related conditions. ClinVar contains an entry for this variant (Variation ID: 1390824). An algorithm developed to predict the effect of missense changes on protein structure and function outputs the following: PolyPhen-2: "Benign". The methionine amino acid residue is found in multiple mammalian species, which suggests that this missense change does not adversely affect protein function. In summary, the available evidence is currently insufficient to determine the role of this variant in disease. Therefore, it has been classified as a Variant of Uncertain Significance.

Ambry Genetics
Classification: Uncertain significance. Last evaluated: 2021-08-02. Review status: criteria provided, single submitter. Criteria: Ambry Variant Classification Scheme 2023. Collection method: clinical testing. Allele origin: germline.